The following is an entry in ClinVar:

NM_005101.4(ISG15):c.248G>A (p.Ser83Asn)

Gene: ISG15 (ISG15 ubiquitin like modifier; plus strand). Cytogenetic location: 1p36.33.
Variant type: single nucleotide variant.
Coding change: c.248G>A on transcript NM_005101.4 (MANE Select); coding-DNA position 248, G replaced by A.
Protein change: p.Ser83Asn; replaces serine 83 with asparagine.
Molecular consequence: missense variant.
Genome position (GRCh38, 1-based): chr1:1,014,228, G>A. VCF-style: chr1-1014228-G-A. GRCh37 (hg19) VCF-style: chr1-949608-G-A.
Other names: short protein forms S83N.
Identifiers: ClinVar variation 402986 (VCV000402986.23), dbSNP rs1921, ClinGen allele CA507658.

ClinVar aggregate classification (germline): Benign/Likely benign. Review status: criteria provided, multiple submitters, no conflicts (2 of 4 stars). 7 submissions from 7 submitters: Benign (6); Likely benign (1). Last evaluated 2026-02-04.

Conditions:
Mendelian susceptibility to mycobacterial diseases due to complete ISG15 deficiency. Also called: Immunodeficiency 38; IMMUNODEFICIENCY 38, MYCOBACTERIOSIS, AUTOSOMAL RECESSIVE; ISG15 DEFICIENCY, AUTOSOMAL RECESSIVE; Immunodeficiency 38 with basal ganglia calcification. Identifiers: Orphanet 319563, MedGen C4015293, MONDO:0014502, OMIM 616126.

Allele frequency attached by ClinVar (database versions not stated): 1000 Genomes Project 0.33886; 1000 Genomes Project 30x 0.34244; gnomAD exomes 0.35934 and 0.38330; TOPMed 0.36795; ExAC 0.37025; gnomAD 0.38386 and 0.38885; ESP Exome Variant Server 0.40158.
gnomAD v4.1: 617,554 of 1,613,414 alleles (38%); highest among the groups gnomAD compares: African/African-American, 41%; 120,507 homozygotes.

Submissions (7):

Labcorp Genetics (formerly Invitae), Labcorp
Classification: Benign for Mendelian susceptibility to mycobacterial diseases due to complete ISG15 deficiency. Last evaluated: 2026-02-04. Review status: criteria provided, single submitter. Criteria: Invitae Variant Classification Sherloc (09022015). Collection method: clinical testing. Allele origin: germline.

Blueprint Genetics
Classification: Likely benign. Last evaluated: 2024-11-26. Review status: criteria provided, single submitter. Criteria: ACMG Guidelines, 2015. Collection method: clinical testing. Allele origin: germline.

Unidad de Genómica Garrahan, Hospital de Pediatría Garrahan
Classification: Benign. Last evaluated: 2023-11-12. Review status: criteria provided, single submitter. Criteria: ACMG Guidelines, 2015. Collection method: clinical testing. Allele origin: germline. Affected: no. Observed: 47 variant alleles.
Comment: This variant is classified as Benign based on local population frequency. This variant was detected in 49% of patients studied by a panel of primary immunodeficiencies. Number of patients: 47. Only high quality variants are reported.

Genome-Nilou Lab
Classification: Benign for Mendelian susceptibility to mycobacterial diseases due to complete ISG15 deficiency. Last evaluated: 2021-07-14. Review status: criteria provided, single submitter. Criteria: ACMG Guidelines, 2015. Collection method: clinical testing. Allele origin: germline. Affected: no.

Mayo Clinic Laboratories, Mayo Clinic
Classification: Benign. Last evaluated: 2018-04-11. Review status: criteria provided, single submitter. Criteria: ACMG Guidelines, 2015. Collection method: clinical testing. Allele origin: germline. Observed: 575 variant alleles.

Laboratory for Molecular Medicine, Mass General Brigham Personalized Medicine
Classification: Benign. Last evaluated: 2016-03-29. Review status: criteria provided, single submitter. Criteria: LMM Criteria. Collection method: clinical testing. Allele origin: germline.
Comment: Variant identified in a genome or exome case(s) and assessed due to predicted null impact of the variant or pathogenic assertions in the literature or databases. Disclaimer: This variant has not undergone full assessment. The following are preliminary notes: Frequency

Breakthrough Genomics
Classification: Benign. Review status: criteria provided, single submitter. Criteria: ACMG Guidelines, 2015. Collection method: not provided. Allele origin: germline. Inheritance: Autosomal recessive inheritance. Affected: yes.